The following is an entry in ClinVar:

ClinVar aggregate classification (germline): Uncertain significance (1 of 4 stars; one submission).

Conditions:
TH-deficient dopa-responsive dystonia. Also called: Tyrosine Hydroxylase-Deficient Dopa-Responsive Dystonia; Segawa syndrome, autosomal recessive; DYT-TH. Identifiers: Orphanet 101150, MedGen C2673535, MONDO:0011551, OMIM 605407.

gnomAD v4.1: 1 of 1,613,522 alleles (0.000062%); highest among the groups gnomAD compares: Admixed American, 0.0017%; no homozygotes.

Submission:

Labcorp Genetics (formerly Invitae), Labcorp
Classification: Uncertain significance for TH-deficient dopa-responsive dystonia. Last evaluated: 2022-07-16. Review status: criteria provided, single submitter. Criteria: Invitae Variant Classification Sherloc (09022015). Collection method: clinical testing. Allele origin: germline.
Comment: This sequence change replaces aspartic acid, which is acidic and polar, with histidine, which is basic and polar, at codon 215 of the TH protein (p.Asp215His). This variant is not present in population databases (gnomAD no frequency). This variant has not been reported in the literature in individuals affected with TH-related conditions. Advanced modeling of protein sequence and biophysical properties (such as structural, functional, and spatial information, amino acid conservation, physicochemical variation, residue mobility, and thermodynamic stability) performed at Invitae indicates that this missense variant is expected to disrupt TH protein function. In summary, the available evidence is currently insufficient to determine the role of this variant in disease. Therefore, it has been classified as a Variant of Uncertain Significance.

NM_000360.4(TH):c.550G>C (p.Asp184His)

Gene: TH (tyrosine hydroxylase; minus strand). Cytogenetic location: 11p15.5.
Variant type: single nucleotide variant.
Coding change: c.550G>C on transcript NM_000360.4 (MANE Select); coding-DNA position 550, G replaced by C.
Protein change: p.Asp184His; replaces aspartic acid 184 with histidine.
Molecular consequence: missense variant.
Genome position (GRCh38, 1-based): chr11:2,168,117, C>G on the plus strand (G>C on the coding strand, the complement: TH is on the minus strand). VCF-style: chr11-2168117-C-G. GRCh37 (hg19) VCF-style: chr11-2189347-C-G.
Other names: c.643G>C, p.Asp215His (NM_199292.3); c.631G>C, p.Asp211His (NM_199293.3); short protein forms D184H, D215H, D211H.
Identifiers: ClinVar variation 2177389 (VCV002177389.1), dbSNP rs139807727, ClinGen allele CA379128454.
Genomic context (GRCh38, chr11:2,168,117, plus strand): 5'-GGCAGGAGGCCTGAGTGAGGGGCGCACCACTCACCGGGTGGTCCAAGTCCAGGTCAGGGT[C>G]GAACTTGGTGACCAGGTGATGACACTTGTCCAGCTCTGACACTTTTCTTGGGAACCAGGG-3'
Protein context (NP_000351.2, residues 174-194): DKCHHLVTKF[Asp184His]PDLDLDHPGF